The following is an entry in ClinVar:

NM_001365536.1(SCN9A):c.3641T>C (p.Ile1214Thr)

Genes: SCN1A-AS1 (SCN1A and SCN9A antisense RNA 1; plus strand), SCN9A (sodium voltage-gated channel alpha subunit 9; minus strand). Cytogenetic location: 2q24.3.
Variant type: single nucleotide variant.
Coding change: c.3641T>C on transcript NM_001365536.1 (MANE Select); coding-DNA position 3641, T replaced by C.
Protein change: p.Ile1214Thr; replaces isoleucine 1214 with threonine.
Molecular consequence: missense variant.
Genome position (GRCh38, 1-based): chr2:166,238,254, A>G on the plus strand (T>C on the coding strand, the complement: SCN9A is on the minus strand). VCF-style: chr2-166238254-A-G. GRCh37 (hg19) VCF-style: chr2-167094764-A-G.
Other names: c.3608T>C, p.Ile1203Thr (NM_002977.4); short protein forms I1203T, I1214T.
Identifiers: ClinVar variation 1521768 (VCV001521768.8), dbSNP rs778019802, ClinGen allele CA1944018.
Genomic context (GRCh38, chr2:166,238,254, plus strand): 5'-GTGAAGATCTTGTCTGCATACTCCAGGATAATCTTAATGGTCTTTTTCCTTTCAATATAA[A>G]TATCTTCAAAAGCCTGTGGAAATAATATTCAAGTTTCAATCATGCACAACTTAAGCTTCA-3'
Protein context (NP_001352465.1, residues 1204-1224): LSSGALAFED[Ile1214Thr]YIERKKTIKI

ClinVar aggregate classification (germline): Uncertain significance (1 of 4 stars; one submission).

Conditions:
Neuropathy, hereditary sensory and autonomic, type 2A (HSAN2A). Also called: HSAN IIA; WNK1-Related HSAN2 (HSAN2A); MORVAN DISEASE; NEUROPATHY, CONGENITAL SENSORY; NEUROPATHY, HEREDITARY SENSORY RADICULAR, AUTOSOMAL RECESSIVE; NEUROPATHY, HEREDITARY SENSORY, TYPE IIA. Identifiers: Orphanet 970, MedGen C2752089, MONDO:0024309, OMIM 201300.
Generalized epilepsy with febrile seizures plus, type 7 (GEFSP7). Also called: GEFS+, TYPE 7. Identifiers: Orphanet 36387, MedGen C2751778, MONDO:0013470, OMIM 613863.

Allele frequency attached by ClinVar (database versions not stated): gnomAD exomes below 0.00001; TOPMed below 0.00001; ExAC 0.00002.
gnomAD v4.1: 2 of 1,568,926 alleles (0.00013%); highest among the groups gnomAD compares: Non-Finnish European, 0.000086%; no homozygotes.

Submission:

Labcorp Genetics (formerly Invitae), Labcorp
Classification: Uncertain significance for Neuropathy, hereditary sensory and autonomic, type 2A; Generalized epilepsy with febrile seizures plus, type 7. Last evaluated: 2023-12-20. Review status: criteria provided, single submitter. Criteria: Invitae Variant Classification Sherloc (09022015). Collection method: clinical testing. Allele origin: germline.
Comment: This sequence change replaces isoleucine, which is neutral and non-polar, with threonine, which is neutral and polar, at codon 1203 of the SCN9A protein (p.Ile1203Thr). The frequency data for this variant in the population databases is considered unreliable, as metrics indicate poor data quality at this position in the gnomAD database. This variant has not been reported in the literature in individuals affected with SCN9A-related conditions. ClinVar contains an entry for this variant (Variation ID: 1521768). Advanced modeling of protein sequence and biophysical properties (such as structural, functional, and spatial information, amino acid conservation, physicochemical variation, residue mobility, and thermodynamic stability) has been performed at Invitae for this missense variant, however the output from this modeling did not meet the statistical confidence thresholds required to predict the impact of this variant on SCN9A protein function. In summary, the available evidence is currently insufficient to determine the role of this variant in disease. Therefore, it has been classified as a Variant of Uncertain Significance.